The following is an entry in ClinVar:

NM_000051.4(ATM):c.2147T>G (p.Val716Gly)

Gene: ATM (ATM serine/threonine kinase; plus strand). Cytogenetic location: 11q22.3.
Variant type: single nucleotide variant.
Coding change: c.2147T>G on transcript NM_000051.4 (MANE Select); coding-DNA position 2147, T replaced by G.
Protein change: p.Val716Gly; replaces valine 716 with glycine.
Molecular consequence: missense variant.
Genome position (GRCh38, 1-based): chr11:108,256,237, T>G. VCF-style: chr11-108256237-T-G. GRCh37 (hg19) VCF-style: chr11-108126964-T-G.
Other names: c.2147T>G, p.Val716Gly (NM_001351834.2); short protein forms V716G.
Identifiers: ClinVar variation 219884 (VCV000219884.8), dbSNP rs864622294, ClinGen allele CA350003.

ClinVar aggregate classification (germline): Uncertain significance (1 of 4 stars; one submission).

Conditions:
Ataxia-telangiectasia syndrome (AT). Also called: Ataxia-telangiectasia, complementation group E; AT, COMPLEMENTATION GROUP C; ATAXIA-TELANGIECTASIA, COMPLEMENTATION GROUP A; ATAXIA-TELANGIECTASIA, FRESNO VARIANT; Ataxia-telangiectasia; LOUIS-BAR SYNDROME. Identifiers: Orphanet 100, MedGen C0004135, MONDO:0008840, OMIM 208900.

Submission:

Labcorp Genetics (formerly Invitae), Labcorp
Classification: Uncertain significance for Ataxia-telangiectasia syndrome. Last evaluated: 2020-09-23. Review status: criteria provided, single submitter. Criteria: Invitae Variant Classification Sherloc (09022015). Collection method: clinical testing. Allele origin: germline.
Comment: In summary, the available evidence is currently insufficient to determine the role of this variant in disease. Therefore, it has been classified as a Variant of Uncertain Significance. Algorithms developed to predict the effect of missense changes on protein structure and function are either unavailable or do not agree on the potential impact of this missense change (SIFT: "Tolerated"; PolyPhen-2: "Possibly Damaging"; Align-GVGD: "Class C0"). This variant has not been reported in the literature in individuals with ATM-related conditions. ClinVar contains an entry for this variant (Variation ID: 219884). This variant is not present in population databases (ExAC no frequency). This sequence change replaces valine with glycine at codon 716 of the ATM protein (p.Val716Gly). The valine residue is moderately conserved and there is a moderate physicochemical difference between valine and glycine.